The following is an entry in ClinVar:

ClinVar aggregate classification (germline): Uncertain significance. Review status: criteria provided, multiple submitters, no conflicts (2 of 4 stars). 2 submissions from 2 submitters: Uncertain significance (2). Last evaluated 2023-10-03.

Conditions:
Inborn genetic diseases. Identifiers: MedGen C0950123, MeSH D030342.

Allele frequency attached by ClinVar (database versions not stated): gnomAD 0.00001; TOPMed 0.00003.
gnomAD v4.1: 10 of 1,613,966 alleles (0.00062%); highest among the groups gnomAD compares: Admixed American, 0.0067%; no homozygotes.

Submissions (2):

Ambry Genetics
Classification: Uncertain significance for Inborn genetic diseases. Last evaluated: 2023-10-03. Review status: criteria provided, single submitter. Criteria: Ambry Variant Classification Scheme 2023. Collection method: clinical testing. Allele origin: germline.

Labcorp Genetics (formerly Invitae), Labcorp
Classification: Uncertain significance. Last evaluated: 2022-06-27. Review status: criteria provided, single submitter. Criteria: Invitae Variant Classification Sherloc (09022015). Collection method: clinical testing. Allele origin: germline.
Comment: This sequence change replaces glycine, which is neutral and non-polar, with aspartic acid, which is acidic and polar, at codon 111 of the SLCO2A1 protein (p.Gly111Asp). This variant is present in population databases (rs772154759, gnomAD 0.006%). This variant has not been reported in the literature in individuals affected with SLCO2A1-related conditions. Algorithms developed to predict the effect of missense changes on protein structure and function are either unavailable or do not agree on the potential impact of this missense change (SIFT: "Deleterious"; PolyPhen-2: "Probably Damaging"; Align-GVGD: "Class C0"). In summary, the available evidence is currently insufficient to determine the role of this variant in disease. Therefore, it has been classified as a Variant of Uncertain Significance.

NM_005630.3(SLCO2A1):c.332G>A (p.Gly111Asp)

Gene: SLCO2A1 (solute carrier organic anion transporter family member 2A1; minus strand). Cytogenetic location: 3q22.1.
Variant type: single nucleotide variant.
Coding change: c.332G>A on transcript NM_005630.3 (MANE Select); coding-DNA position 332, G replaced by A.
Protein change: p.Gly111Asp; replaces glycine 111 with aspartic acid.
Molecular consequence: missense variant.
Genome position (GRCh38, 1-based): chr3:133,973,728, C>T on the plus strand (G>A on the coding strand, the complement: SLCO2A1 is on the minus strand). VCF-style: chr3-133973728-C-T. GRCh37 (hg19) VCF-style: chr3-133692572-C-T.
Other names: c.332G>A (NM_005630.2); short protein forms G111D.
Identifiers: ClinVar variation 1420259 (VCV001420259.6), dbSNP rs772154759, ClinGen allele CA2626865.
Genomic context (GRCh38, chr3:133,973,728, plus strand): 5'-CTGGCCAAGGTGTACTGGTAGGGCTCGGAGAGGAAGTGTGGGAGGGTGAGGATGAAGGCA[C>T]CTGCAGCCAGGAAGAGACCTCCGATGCCAATCAGACGTGGACGGTGCACCCGGCTGCCAA-3'
Protein context (NP_005621.2, residues 101-121): IGIGGLFLAA[Gly111Asp]AFILTLPHFL